The following is an entry in ClinVar:

ClinVar aggregate classification (germline): Uncertain significance (1 of 4 stars; one submission).

Submission:

GeneDx
Classification: Uncertain significance. Last evaluated: 2023-07-28. Review status: criteria provided, single submitter. Criteria: GeneDx Variant Classification Process June 2021. Collection method: clinical testing. Allele origin: germline. Affected: yes.
Comment: Not observed at significant frequency in large population cohorts (gnomAD); In silico analysis supports that this missense variant does not alter protein structure/function; Has not been previously published as pathogenic or benign to our knowledge

NM_032590.5(KDM2B):c.354G>T (p.Met118Ile)

Gene: KDM2B (lysine demethylase 2B; minus strand). Cytogenetic location: 12q24.31.
Variant type: single nucleotide variant.
Coding change: c.354G>T on transcript NM_032590.5 (MANE Select); coding-DNA position 354, G replaced by T.
Protein change: p.Met118Ile; replaces methionine 118 with isoleucine.
Molecular consequence: missense variant.
Genome position (GRCh38, 1-based): chr12:121,574,590, C>A on the plus strand (G>T on the coding strand, the complement: KDM2B is on the minus strand). VCF-style: chr12-121574590-C-A. GRCh37 (hg19) VCF-style: chr12-122012495-C-A.
Other names: c.261G>T, p.Met87Ile (NM_001005366.2); short protein forms M118I, M87I.
Identifiers: ClinVar variation 3361641 (VCV003361641.1).